The following is an entry in ClinVar:

ClinVar aggregate classification (germline): Likely benign (1 of 4 stars; one submission).

Conditions:
Arrhythmogenic right ventricular cardiomyopathy (ARVD). Also called: Arrhythmogenic right ventricular dysplasia; Cardiomyopathy, ARVC; Arrhythmogenic cardiomyopathy; Arrhythmogenic Right Ventricular Cardiomyopathy (ARVC). Identifiers: Orphanet 247, MedGen C0349788, MeSH D019571, MONDO:0016587. Disease mechanism: loss of function. Inheritance: Various modes of inheritance.

Submission:

All of Us Research Program, National Institutes of Health
Classification: Likely benign for Arrhythmogenic right ventricular cardiomyopathy. Last evaluated: 2023-08-15. Review status: criteria provided, single submitter. Criteria: ACMG Guidelines, 2015. Collection method: clinical testing. Allele origin: germline. Inheritance: Autosomal dominant inheritance. Observed: 1 variant allele, 1 heterozygote.
Comment: This study involves interpretation of variants in research participants for the purpose of population health screening. Participant phenotype was not available at the time of variant classification. Additional details can be found in publication PMID: 35346344, PMCID: PMC8962531

NM_001005242.3(PKP2):c.1035-10G>A

Gene: PKP2 (plakophilin 2; minus strand). Cytogenetic location: 12p11.21.
Variant type: single nucleotide variant.
Coding change: c.1035-10G>A on transcript NM_001005242.3 (MANE Select); 10 bases into the intron before coding-DNA position 1035, G replaced by A.
Molecular consequence: intron variant.
Genome position (GRCh38, 1-based): chr12:32,869,072, C>T on the plus strand (G>A on the coding strand, the complement: PKP2 is on the minus strand). VCF-style: chr12-32869072-C-T. GRCh37 (hg19) VCF-style: chr12-33022006-C-T.
Other names: c.1035-10G>A (NM_001407156.1, NM_001407155.1, NM_004572.4 and 2 more transcripts); c.708-10G>A (NM_001407160.1, NM_001407159.1, NM_001407158.1 and 1 more transcripts).
Identifiers: ClinVar variation 3072985 (VCV003072985.1), dbSNP rs1448052777, ClinGen allele CA2825002078.
Genomic context (GRCh38, chr12:32,869,072, plus strand): 5'-GCCTCGAGCATACTCACTGCTCGCTCCAGAGTCATCTCCATGTCTGCATTCCTAGACAAA[C>T]AGGCACAGATTCAGCCAGATTCCAAACCTCCCTCCTCCTGCCTACCAACCTGGTCCTCCA-3'